The following is an entry in ClinVar:

NM_021871.4(FGA):c.1670_1673del (p.Thr557fs)

Gene: FGA (fibrinogen alpha chain; minus strand). Cytogenetic location: 4q31.3.
Variant type: Deletion.
Coding change: c.1670_1673del on transcript NM_021871.4 (MANE Select); coding-DNA positions 1670 to 1673, 4 bases deleted (CAAA; older notation c.1670_1673delCAAA).
Protein change: p.Thr557fs; shifts the reading frame from threonine 557.
Molecular consequence: frameshift variant.
Genome position (GRCh38, 1-based): chr4:154,585,756-154,585,759, TTTG deleted on the plus strand (CAAA on the coding strand, the reverse complement: FGA is on the minus strand); deleting any 4 consecutive bases within chr4:154,585,756-154,585,760 gives the same sequence; the c. name uses the placement nearest the transcript's 3' end. VCF-style (leftmost placement, unchanged base first): chr4-154585755-CTTTG-C. GRCh37 (hg19) VCF-style: chr4-155506907-CTTTG-C.
Other names: c.1670_1673del, p.Thr557fs (NM_000508.5); short protein forms T557fs.
Identifiers: ClinVar variation 1879618 (VCV001879618.29), dbSNP rs2530819504, ClinGen allele CA2578217774.

ClinVar aggregate classification (germline): Pathogenic (1 of 4 stars; one submission).

Submission:

CeGaT Center for Human Genetics Tuebingen
Classification: Pathogenic. Last evaluated: 2022-10-01. Review status: criteria provided, single submitter. Criteria: CeGaT Center For Human Genetics Tuebingen Variant Classification Criteria Version 2. Collection method: clinical testing. Allele origin: germline. Affected: yes. Observed: 1 variant allele.
Comment: FGA: PVS1, PM2, PS4:Supporting